The following is an entry in ClinVar:

ClinVar aggregate classification (germline): Conflicting classifications of pathogenicity. Review status: criteria provided, conflicting classifications (1 of 4 stars). 5 submissions from 5 submitters: Uncertain significance (4); Likely benign (1). Last evaluated 2026-02-12.

Conditions:
POLD1-related polyposis and colorectal cancer syndrome (CRCS10). Also called: Colorectal cancer 10; COLORECTAL CANCER, SUSCEPTIBILITY TO, ON CHROMOSOME 19q; Colorectal cancer, susceptibility to, 10. Identifiers: Orphanet 220460, MedGen C2675481, MONDO:0012953, OMIM 612591.
Hereditary cancer-predisposing syndrome. Also called: Neoplastic Syndromes, Hereditary; Hereditary neoplastic syndrome; Tumor predisposition; Hereditary Cancer Syndrome. Identifiers: Orphanet 140162, MedGen C0027672, MeSH D009386, MONDO:0015356.

Allele frequency attached by ClinVar (database versions not stated): gnomAD exomes 0.00001 and 0.00003; ExAC 0.00002; TOPMed 0.00004; gnomAD 0.00005 and 0.00006; ESP Exome Variant Server 0.00008.
gnomAD v4.1: 50 of 1,608,840 alleles (0.0031%); highest among the groups gnomAD compares: African/African-American, 0.0094%; no homozygotes.

Submissions (5):

Women's Health and Genetics/Laboratory Corporation of America, LabCorp
Classification: Uncertain significance. Last evaluated: 2026-02-12. Review status: criteria provided, single submitter. Criteria: LabCorp Variant Classification Summary - May 2015. Collection method: clinical testing. Allele origin: germline.
Comment: Variant summary: POLD1 c.671G>A (p.Arg224His) results in a non-conservative amino acid change in the encoded protein sequence. Algorithms developed to predict the effect of missense changes on protein structure and function are either unavailable or do not agree on the potential impact of this missense change. The variant allele was found at a frequency of 3.1e-05 in 1601862 control chromosomes (gnomAD). This frequency is not significantly higher than estimated for disease-causing variants in POLD1, allowing no conclusion about variant significance. To our knowledge, no occurrence of c.671G>A in individuals affected with POLD1-related conditions and no experimental evidence demonstrating its impact on protein function have been reported. The following publication have been ascertained in the context of this evaluation (PMID: 35620275). ClinVar contains an entry for this variant (Variation ID: 469378). Based on the evidence outlined above, the variant was classified as uncertain significance.

Labcorp Genetics (formerly Invitae), Labcorp
Classification: Uncertain significance for POLD1-related polyposis and colorectal cancer syndrome. Last evaluated: 2026-01-13. Review status: criteria provided, single submitter. Criteria: Invitae Variant Classification Sherloc (09022015). Collection method: clinical testing. Allele origin: germline.
Comment: This sequence change replaces arginine, which is basic and polar, with histidine, which is basic and polar, at codon 224 of the POLD1 protein (p.Arg224His). The frequency data for this variant in the population databases is considered unreliable, as metrics indicate poor data quality at this position in the gnomAD database. This variant has not been reported in the literature in individuals affected with POLD1-related conditions. ClinVar contains an entry for this variant (Variation ID: 469378). Invitae Evidence Modeling of protein sequence and biophysical properties (such as structural, functional, and spatial information, amino acid conservation, physicochemical variation, residue mobility, and thermodynamic stability) indicates that this missense variant is not expected to disrupt POLD1 protein function with a negative predictive value of 80%. In summary, the available evidence is currently insufficient to determine the role of this variant in disease. Therefore, it has been classified as a Variant of Uncertain Significance.

Ambry Genetics
Classification: Likely benign for Hereditary cancer-predisposing syndrome. Last evaluated: 2024-12-23. Review status: criteria provided, single submitter. Criteria: Ambry Variant Classification Scheme 2023. Collection method: clinical testing. Allele origin: germline.

GeneDx
Classification: Uncertain significance. Last evaluated: 2024-02-21. Review status: criteria provided, single submitter. Criteria: GeneDx Variant Classification Process June 2021. Collection method: clinical testing. Allele origin: germline. Affected: yes.
Comment: Not observed at significant frequency in large population cohorts (gnomAD); In silico analysis supports that this missense variant has a deleterious effect on protein structure/function; Has not been previously published as pathogenic or benign to our knowledge; This variant is associated with the following publications: (PMID: 27149842, 35620275)

Blueprint Genetics
Classification: Uncertain significance. Last evaluated: 2022-11-09. Review status: criteria provided, single submitter. Criteria: ACMG Guidelines, 2015. Collection method: clinical testing. Allele origin: germline.

Literature cited by the submitters: PubMed 35620275 (cited by Women's Health and Genetics/Laboratory Corporation of America, LabCorp).

NM_002691.4(POLD1):c.671G>A (p.Arg224His)

Gene: POLD1 (DNA polymerase delta 1, catalytic subunit; plus strand). Cytogenetic location: 19q13.33.
Variant type: single nucleotide variant.
Coding change: c.671G>A on transcript NM_002691.4 (MANE Select); coding-DNA position 671, G replaced by A.
Protein change: p.Arg224His; replaces arginine 224 with histidine.
Molecular consequence: missense variant. On other transcripts: non-coding transcript variant (1).
Genome position (GRCh38, 1-based): chr19:50,402,286, G>A. VCF-style: chr19-50402286-G-A. GRCh37 (hg19) VCF-style: chr19-50905543-G-A.
Other names: c.671G>A, p.Arg224His (NM_001256849.1, NM_001308632.1); c.671G>A (NM_002691.2); short protein forms R224H.
Identifiers: ClinVar variation 469378 (VCV000469378.16), dbSNP rs373001984, ClinGen allele CA9595861.
Genomic context (GRCh38, chr19:50,402,286, plus strand): 5'-ACGGCCCCTCCCCGTTCCTGCGCATCACCGTGGCGCTGCCGCGCCTCGTGGCCCCGGCCC[G>A]CCGTCTCCTGGAACAGGGCATCCGTGTGGCAGGCCTGGGCACGCCCAGCTTCGCGCCCTA-3'
Protein context (NP_002682.2, residues 214-234): VALPRLVAPA[Arg224His]RLLEQGIRVA